The following is an entry in ClinVar:

NM_133509.5(RAD51B):c.1094C>G (p.Pro365Arg)

Gene: RAD51B (RAD51 paralog B; plus strand). Cytogenetic location: 14q24.1.
Variant type: single nucleotide variant.
Coding change: c.1094C>G on transcript NM_133509.5; coding-DNA position 1094, C replaced by G.
Protein change: p.Pro365Arg; replaces proline 365 with arginine.
Molecular consequence: missense variant. On other transcripts: intron variant (5).
Genome position (GRCh38, 1-based): chr14:68,594,542, C>G. VCF-style: chr14-68594542-C-G. GRCh37 (hg19) VCF-style: chr14-69061259-C-G.
Other names: p.Pro365Arg; c.1037-88395C>G (NM_001321818.2); c.1037-8121C>G (NM_001321809.2, NM_001321810.2); c.1037-16464C>G (NM_001321821.2); c.923-16616C>G (NM_001321815.1); c.1094C>G (NM_133509.4); short protein forms P365R.
Identifiers: ClinVar variation 523174 (VCV000523174.14), dbSNP rs28908468, ClinGen allele CA7241422.

ClinVar aggregate classification (germline): Benign/Likely benign. Review status: criteria provided, multiple submitters, no conflicts (2 of 4 stars). 6 submissions from 6 submitters: Benign (4); Likely benign (1). 1 of the submissions does not count toward it. Last evaluated 2025-11-25.

Conditions:
Hereditary breast ovarian cancer syndrome. Also called: Breast and ovarian cancer; Hereditary breast and ovarian cancer syndrome; Hereditary breast and ovarian cancer; Hereditary breast and ovarian cancer syndrome (HBOC); Hereditary breast and/or ovarian cancer syndrome; BRCA1- and BRCA2-Associated Hereditary Breast and Ovarian Cancer. Identifiers: Orphanet 145, MedGen C0677776, MeSH D061325, MONDO:0003582. Disease mechanism: loss of function.
Poly (ADP-Ribose) polymerase inhibitor response. Also called: PARP Inhibitor response. Identifiers: MedGen CN322715.

Allele frequency attached by ClinVar (database versions not stated): ESP Exome Variant Server 0.02650; gnomAD 0.02778; gnomAD exomes 0.03466 and 0.02913; ExAC 0.05084; 1000 Genomes Project 30x 0.01921; 1000 Genomes Project 0.01937; TOPMed 0.02279.
gnomAD v4.1: 45,602 of 1,344,824 alleles (3.4%); highest among the groups gnomAD compares: Non-Finnish European, 3.7%; 895 homozygotes.

Submissions (6):

Mayo Clinic Laboratories, Mayo Clinic
Classification: Likely benign. Last evaluated: 2025-11-25. Review status: criteria provided, single submitter. Criteria: ACMG Guidelines, 2015. Collection method: clinical testing. Allele origin: germline. Observed: 16 variant alleles.
Comment: BS1, BP4

CeGaT Center for Human Genetics Tuebingen
Classification: Benign. Last evaluated: 2025-03-01. Review status: criteria provided, single submitter. Criteria: CeGaT Center For Human Genetics Tuebingen Variant Classification Criteria Version 2. Collection method: clinical testing. Allele origin: germline. Affected: yes. Observed: 1 variant allele.
Comment: RAD51B: BP4, BS1, BS2

National Health Laboratory Service, Universitas Academic Hospital and University of the Free State
Classification: Benign for Hereditary breast ovarian cancer syndrome. Last evaluated: 2022-04-19. Review status: criteria provided, single submitter. Criteria: ACMG Guidelines, 2015. Collection method: clinical testing. Allele origin: germline. Affected: yes. Observed: 7 variant alleles.

GeneDx
Classification: Benign. Last evaluated: 2018-06-22. Review status: criteria provided, single submitter. Criteria: GeneDx Variant Classification Process June 2021. Collection method: clinical testing. Allele origin: germline. Affected: yes.
Comment: This variant is associated with the following publications: (PMID: 29610388)

Breakthrough Genomics
Classification: Benign. Review status: criteria provided, single submitter. Criteria: ACMG Guidelines, 2015. Collection method: not provided. Allele origin: germline. Inheritance: Unknown mechanism. Affected: yes.

Oxford Haemato-Oncology Service, Oxford University Hospitals NHS Foundation Trust
Classification: drug response for PARP Inhibitor response. Last evaluated: 2017-11-27. Review status: no assertion criteria provided. Collection method: clinical testing. Allele origin: inherited. Affected: yes. Not counted in ClinVar's aggregate classification.